The following is an entry in ClinVar:

NM_000157.4(GBA1):c.882T>G (p.His294Gln)

Genes: GBA1 (glucosylceramidase beta 1; minus strand), LOC106627981 (GBA recombination region; plus strand). Cytogenetic location: 1q22.
Variant type: single nucleotide variant.
Coding change: c.882T>G on transcript NM_000157.4 (MANE Select); coding-DNA position 882, T replaced by G.
Protein change: p.His294Gln; replaces histidine 294 with glutamine.
Molecular consequence: missense variant.
Genome position (GRCh38, 1-based): chr1:155,237,458, A>C on the plus strand (T>G on the coding strand, the complement: GBA1 is on the minus strand). VCF-style: chr1-155237458-A-C. GRCh37 (hg19) VCF-style: chr1-155207249-A-C.
Other names: H255Q; c.882T>G (NM_001005742.2); c.882T>G, p.His294Gln (NM_001005741.3, NM_001005742.3); c.621T>G, p.His207Gln (NM_001171811.2); c.735T>G, p.His245Gln (NM_001171812.2); short protein forms H294Q, H245Q, H207Q.
Identifiers: ClinVar variation 242810 (VCV000242810.83), dbSNP rs367968666, ClinGen allele CA028590.

ClinVar aggregate classification (germline): Conflicting classifications of pathogenicity; other. Review status: criteria provided, conflicting classifications (1 of 4 stars). 21 submissions from 20 submitters: Pathogenic (3); Likely pathogenic (4); Uncertain significance (9); Likely benign (1). 3 of the submissions do not count toward it. Last evaluated 2026-09-01.

Conditions:
GBA1-related disorder. Also called: GBA1-related condition.
Gaucher disease type III. Also called: Type 3 Gaucher disease (Subacute; Juvenile); Subacute neuronopathic Gaucher's disease; Gaucher Disease, Type 3; GAUCHER DISEASE, CHRONIC NEURONOPATHIC TYPE; GAUCHER DISEASE, JUVENILE AND ADULT, CEREBRAL; GAUCHER DISEASE, SUBACUTE NEURONOPATHIC TYPE. Identifiers: Orphanet 355, Orphanet 77261, MedGen C0268251, MONDO:0009267, OMIM 231000.
Gaucher disease type I (GD1). Also called: Type 1 Gaucher Disease; Gaucher's disease, type 1; GD 1; ACID BETA-GLUCOSIDASE DEFICIENCY; GAUCHER DISEASE, NONCEREBRAL JUVENILE; GBA DEFICIENCY. Identifiers: Orphanet 355, Orphanet 77259, MedGen C1961835, MONDO:0009265, OMIM 230800.
Gaucher disease type II (GD2). Also called: Type 2 Gaucher disease (Acute; Infantile); Acute neuronopathic Gaucher's disease; GAUCHER DISEASE, ACUTE NEURONOPATHIC TYPE; GD II. Identifiers: Orphanet 77260, MedGen C0268250, MONDO:0009266, OMIM 230900.
Gaucher disease-ophthalmoplegia-cardiovascular calcification syndrome. Also called: GAUCHER DISEASE, TYPE IIIC. Identifiers: Orphanet 2072, MedGen C1856476, MONDO:0009268, OMIM 231005.
Gaucher disease perinatal lethal. Also called: Gaucher disease collodion type; Gaucher Disease, Perinatal-Lethal Form. Identifiers: Orphanet 85212, MedGen C1842704, MONDO:0011945, OMIM 608013.
Gaucher disease. Also called: Acute cerebral Gaucher disease; Cerebroside lipidosis syndrome; Gaucher splenomegaly; Sphingolipidosis 1; Glucocerebrosidosis; Glucosylceramidase deficiency. Identifiers: Orphanet 355, MedGen C0017205, MONDO:0018150.

Allele frequency attached by ClinVar (database versions not stated): gnomAD 0.00016 and 0.00017; ESP Exome Variant Server 0.00023; ExAC 0.00028; TOPMed 0.00016; gnomAD exomes 0.00018 and 0.00024.
gnomAD v4.1: 289 of 1,613,960 alleles (0.018%); highest among the groups gnomAD compares: Middle Eastern, 0.099%; 1 homozygote.

Submissions 1 to 10 of 21:

CeGaT Center for Human Genetics Tuebingen
Classification: Pathogenic. Last evaluated: 2026-09-01. Review status: criteria provided, single submitter. Criteria: CeGaT Center For Human Genetics Tuebingen Variant Classification Criteria Version 2. Collection method: clinical testing. Allele origin: germline. Affected: yes. Observed: 9 variant alleles.
Comment: GBA1: PM3:Very Strong, PM2

PreventionGenetics, part of Exact Sciences
Classification: Uncertain significance for GBA1-related condition. Last evaluated: 2026-08-21. Review status: criteria provided, single submitter. Criteria: ACMG Guidelines, 2015. Collection method: clinical testing. Allele origin: germline.
Comment: The GBA1 c.882T>G variant is predicted to result in the amino acid substitution p.His294Gln. This variant is commonly reported as part of a non-pseudogene complex allele with c.1342G>C (p.Asp448His, also known as D409H) in cis and another pathogenic variant in trans as causative for Gaucher disease (see for example, Filocamo et al. 2005. PubMed ID: 15690354; Kumar et al. 2013. PubMed ID: 22812582; Cullifi et al. 2026. PubMed ID: 41536045). The c.882T>G variant was presumably observed as an isolated variant in two individuals with Gaucher disease type 1; one case was reported in trans with the complex recombinant allele frequently described as RecTL or RecC [c.1342G>C; c.1448T>C; c.1448T>C; c1483G>C; c.1497G>C] (Stone et al. 2000. PubMed ID: 10649495) and in other was trans to a different GBA1 variant (Karaca et al. 2012. PubMed ID: 23426826). However, the presence or absence of the c.1342G>C variant was unknown in both reports. To our knowledge, there are no other reports of the c.882T>G in the homozygous or compound heterozygous state, without c.1342G>C in cis, in patients affected with Gaucher disease. The c.882T>G variant by itself in the heterozygous state or in cis with another GBA1 variant has been reported in individuals with Parkinson disease (see for example, Kalinderi et al. 2009. PubMed ID: 19383421; Rački et al. 2024. PubMed ID: 38397244; Gagliardi et al. 2025. PubMed ID: 40848607), has been noted to be one of the most common variants in Western Asia or Europe (Koros et al. 2024. PubMed ID: 39766872), and has been noted to segregate with variable presentations of Parkinson disease within families (Szlepák et al. 2023. PubMed ID: 38153678; Sorrentino et al. 2024. PubMed ID: 38881158). Functional studies of GBA enzymatic activity in vitro reveal that the complex allele [c.882T>G; c.1342G>C] is more severely impaired than either c.882T>G or c.1342G>C in isolation, and that c.1342G>C by itself is more severely impaired than c.882T>G (Santamaria et al. 2008. PubMed ID: 18429048), which is consistent with clinical findings. This variant is reported in 0.058% of alleles in individuals of Ashkenazi Jewish descent in gnomAD and has conflicting classifications ranging from likely benign to pathogenic in ClinVar (Variation ID: 242810). While the non-pseudogene complex allele [c.882T>G; c.1342G>C] is pathogenic, the clinical significance of the c.882T>G variant in isolation is uncertain at this time due to insufficient functional and genetic evidence.

Women's Health and Genetics/Laboratory Corporation of America, LabCorp
Classification: Uncertain significance. Last evaluated: 2026-06-17. Review status: criteria provided, single submitter. Criteria: LabCorp Variant Classification Summary - May 2015. Collection method: clinical testing. Allele origin: germline.
Comment: Variant summary: GBA1 c.882T>G (p.His294Gln) results in a non-conservative amino acid change located in the Glycosyl hydrolase family 30, TIM-barrel domain (IPR033453) of the encoded protein sequence. The variant was absent in 1613960 control chromosomes. The available data on variant occurrences in the general population are insufficient to allow any conclusion about variant significance. c.882T>G (also known as H255Q) is commonly reported in patients with Gaucher disease as a part of complex allele (examples: Miocic_2005, Santamaria_2008, Kumar_2013, Kumar_2013, Gragnaniello_2023). A few instances of H294Q variant in isolation has been reported in Parkinsons disease patients (Kalinderi_2009, Benitez_2016, Ridova_2022, Palomba_ 2023, Szlepak_2024, Sorrentino_2024, Gagliardi_2025, Bonato_2025). In the expression studies, constructs bearing the H294Q in isolation retained a significant residual enzymatic activity (~ 56.4% and ~76% of the wild type value) (Santamaria_2008, Snchez-Oll_2009). The same studies reported that D448H mutant severely reduces the enzymatic activity. Thus D448H could be the driver mutation in the complex allele. Further, one of those studies showed that the double mutant p.[D448H;H294Q] causes more pronounced functional impairment than p.D448H mutant alone (Santamaria_2008), suggesting that the H294Q could be a modifier of D488H variant which is consistent with clinical findings. The following publications have been ascertained in the context of this evaluation (PMID: 27094865, 37009750, 19383421, 22812582, 15605411, 21745757, 36609826, 35845720, 19167250, 18429048, 10649495, 40848607, 39034353, 38153678, 38881158). ClinVar contains an entry for this variant (Variation ID: 242810). Based on the evidence outlined above, the variant was classified as uncertain significance.

3billion
Classification: Likely pathogenic for Gaucher disease type I. Last evaluated: 2025-11-30. Review status: criteria provided, single submitter. Criteria: ACMG Guidelines, 2015. Collection method: clinical testing. Allele origin: germline. Affected: yes.
Comment: The variant is observed at an extremely low frequency in the gnomAD v4.1.0 dataset (total allele frequency: 0.018%). Predicted Consequence/Location: Missense variant In silico tool predictions suggest damaging effect of the variant on gene or gene product [REVEL: 0.61 (>=0.6, sensitivity 0.68 and specificity 0.92); 3Cnet: 0.99 (> 0.75, sensitivity 0.96 and precision 0.92)]. The same nucleotide change resulting in the same amino acid change has been previously reported as pathogenic/likely pathogenic with strong evidence (ClinVar ID: VCV000242810 /PMID: 10649495). Therefore, this variant is classified as Likely pathogenic according to the recommendation of ACMG/AMP guideline.

Blueprint Genetics
Classification: Uncertain significance. Last evaluated: 2024-11-12. Review status: criteria provided, single submitter. Criteria: ACMG Guidelines, 2015. Collection method: clinical testing. Allele origin: germline.

Genomic Medicine Center of Excellence, King Faisal Specialist Hospital and Research Centre
Classification: Likely benign. Last evaluated: 2024-03-25. Review status: criteria provided, single submitter. Criteria: ACMG Guidelines, 2015. Collection method: clinical testing. Allele origin: germline.

Laboratory of Medical Genetics, National & Kapodistrian University of Athens
Classification: Pathogenic for Gaucher disease type I. Last evaluated: 2022-09-28. Review status: criteria provided, single submitter. Criteria: ACMG Guidelines, 2015. Collection method: clinical testing. Allele origin: germline. Affected: yes.
Comment: PS1, PM1, PM2, PP2, PP5

GeneDx
Classification: Uncertain significance. Last evaluated: 2022-08-03. Review status: criteria provided, single submitter. Criteria: GeneDx Variant Classification Process June 2021. Collection method: clinical testing. Allele origin: germline. Affected: yes.
Comment: It is unknown if the H294Q variant is disease causing in the absence of the D448H variant; In silico analysis, which includes protein predictors and evolutionary conservation, supports that this variant does not alter protein structure/function; Previously reported as H255Q using alternative nomenclature; This variant is associated with the following publications: (PMID: 15605411, 25933391, 29980418, 27094865, 32591474, 15690354, 27717005, 21745757, 19459886, 28727984, 18429048, 29699937, 31160058, 29887346, 32623306, 32702516, 32605119, 32618053, 34426522, 32658388, 33473340, 10649495)

Mendelics
Classification: Uncertain significance. Last evaluated: 2022-05-04. Review status: criteria provided, single submitter. Criteria: Mendelics Assertion Criteria 2019. Collection method: clinical testing. Allele origin: germline.

Ambry Genetics
Classification: Uncertain significance. Last evaluated: 2022-04-18. Review status: criteria provided, single submitter. Criteria: Ambry Variant Classification Scheme 2023. Collection method: clinical testing. Allele origin: germline.